The following is an entry in ClinVar:

ClinVar aggregate classification (germline): Pathogenic (1 of 4 stars; one submission).

Conditions:
Arrhythmogenic right ventricular dysplasia 10. Also called: Arrhythmogenic Right Ventricular Dysplasia/Cardiomyopathy10; ARRHYTHMOGENIC RIGHT VENTRICULAR DYSPLASIA, FAMILIAL, 10; Arrhythmogenic right ventricular dysplasia/cardiomyopathy, type 10. Identifiers: MedGen C1857777, MONDO:0012434, OMIM 610193.

Submission:

Labcorp Genetics (formerly Invitae), Labcorp
Classification: Pathogenic for Arrhythmogenic right ventricular dysplasia 10. Last evaluated: 2021-11-25. Review status: criteria provided, single submitter. Criteria: Invitae Variant Classification Sherloc (09022015). Collection method: clinical testing. Allele origin: germline.
Comment: For these reasons, this variant has been classified as Pathogenic. This variant disrupts a region of the DSG2 protein in which other variant(s) (p.Glu1020Alafs*18) have been determined to be pathogenic (PMID: 20864495, 21397041, 23381804; Invitae). This suggests that this is a clinically significant region of the protein, and that variants that disrupt it are likely to be disease-causing. This variant has not been reported in the literature in individuals affected with DSG2-related conditions. This variant is a gross deletion of the genomic region encompassing exon(s) 10-15 of the DSG2 gene, which includes the termination codon. This deletion extends beyond the assayed region for this gene and therefore may encompass additional genes. While this deletion is not anticipated to lead to nonsense mediated decay, it is expected to alter mRNA translation or result in a truncated protein product.

Literature cited by the submitters: PubMed 20864495; PubMed 21397041; PubMed 23381804.

NC_000018.9:g.(?_29115213)_(29126706_?)del

Gene: DSG2 (desmoglein 2; plus strand). Cytogenetic location: 18q12.1.
Variant type: Deletion.
Identifiers: ClinVar variation 2424328 (VCV002424328.4).